The following is an entry in ClinVar:

ClinVar aggregate classification (germline): Uncertain significance (1 of 4 stars; one submission).

Submission:

Labcorp Genetics (formerly Invitae), Labcorp
Classification: Uncertain significance. Last evaluated: 2022-12-22. Review status: criteria provided, single submitter. Criteria: Invitae Variant Classification Sherloc (09022015). Collection method: clinical testing. Allele origin: germline.
Comment: In summary, the available evidence is currently insufficient to determine the role of this variant in disease. Therefore, it has been classified as a Variant of Uncertain Significance. Experimental studies and prediction algorithms are not available or were not evaluated, and the functional significance of this variant is currently unknown. This variant has not been reported in the literature in individuals affected with ADGRV1-related conditions. This variant is not present in population databases (gnomAD no frequency). This sequence change affects the initiator methionine of the ADGRV1 mRNA. The next in-frame methionine is located at codon 9.

NM_032119.4(ADGRV1):c.1A>T (p.Met1Leu)

Gene: ADGRV1 (adhesion G protein-coupled receptor V1; plus strand). Cytogenetic location: 5q14.3.
Variant type: single nucleotide variant.
Coding change: c.1A>T on transcript NM_032119.4 (MANE Select); coding-DNA position 1, A replaced by T.
Protein change: p.Met1Leu; changes the start codon (methionine 1).
Molecular consequence: missense variant, initiator codon variant. On other transcripts: non-coding transcript variant (1).
Genome position (GRCh38, 1-based): chr5:90,558,896, A>T. VCF-style: chr5-90558896-A-T. GRCh37 (hg19) VCF-style: chr5-89854713-A-T.
Other names: short protein forms M1L.
Identifiers: ClinVar variation 2823237 (VCV002823237.3), dbSNP rs2531199135, ClinGen allele CA360363006.